The following is an entry in ClinVar:

ClinVar aggregate classification (germline): Uncertain significance (1 of 4 stars; one submission).

Allele frequency attached by ClinVar (database versions not stated): gnomAD exomes below 0.00001.
gnomAD v4.1: 1 of 1,613,186 alleles (0.000062%); highest among the groups gnomAD compares: Non-Finnish European, 0.000085%; no homozygotes.

Submission:

Labcorp Genetics (formerly Invitae), Labcorp
Classification: Uncertain significance. Last evaluated: 2021-06-13. Review status: criteria provided, single submitter. Criteria: Invitae Variant Classification Sherloc (09022015). Collection method: clinical testing. Allele origin: germline.
Comment: This sequence change replaces glutamine with leucine at codon 24 of the CPA1 protein (p.Gln24Leu). The glutamine residue is moderately conserved and there is a moderate physicochemical difference between glutamine and leucine. This variant is not present in population databases (ExAC no frequency). This variant has not been reported in the literature in individuals with CPA1-related conditions. Algorithms developed to predict the effect of missense changes on protein structure and function are either unavailable or do not agree on the potential impact of this missense change (SIFT: "Tolerated"; PolyPhen-2: "Probably Damaging"; Align-GVGD: "Class C0"). In summary, the available evidence is currently insufficient to determine the role of this variant in disease. Therefore, it has been classified as a Variant of Uncertain Significance.

NM_001868.4(CPA1):c.71A>T (p.Gln24Leu)

Gene: CPA1 (carboxypeptidase A1; plus strand). Cytogenetic location: 7q32.2.
Variant type: single nucleotide variant.
Coding change: c.71A>T on transcript NM_001868.4 (MANE Select); coding-DNA position 71, A replaced by T.
Protein change: p.Gln24Leu; replaces glutamine 24 with leucine.
Molecular consequence: missense variant.
Genome position (GRCh38, 1-based): chr7:130,381,103, A>T. VCF-style: chr7-130381103-A-T. GRCh37 (hg19) VCF-style: chr7-130020944-A-T.
Other names: short protein forms Q24L.
Identifiers: ClinVar variation 1383505 (VCV001383505.8), dbSNP rs1584850133, ClinGen allele CA369279174.